The following is an entry in ClinVar:

NM_000264.5(PTCH1):c.1124A>T (p.His375Leu)

Gene: PTCH1 (patched 1; minus strand). Cytogenetic location: 9q22.32.
Variant type: single nucleotide variant.
Coding change: c.1124A>T on transcript NM_000264.5 (MANE Select); coding-DNA position 1124, A replaced by T.
Protein change: p.His375Leu; replaces histidine 375 with leucine.
Molecular consequence: missense variant. On other transcripts: non-coding transcript variant (1).
Genome position (GRCh38, 1-based): chr9:95,479,091, T>A on the plus strand (A>T on the coding strand, the complement: PTCH1 is on the minus strand). VCF-style: chr9-95479091-T-A. GRCh37 (hg19) VCF-style: chr9-98241373-T-A.
Other names: c.926A>T, p.His309Leu (NM_001083602.3); c.1121A>T, p.His374Leu (NM_001083603.3); c.671A>T, p.His224Leu (NM_001083604.3, NM_001083605.3, NM_001083606.3 and 1 more transcripts); c.1124A>T, p.His375Leu (NM_001354918.2); short protein forms H375L, H374L, H309L, H224L.
Identifiers: ClinVar variation 2564362 (VCV002564362.5), dbSNP rs1841326514, ClinGen allele CA374119414.

ClinVar aggregate classification (germline): Uncertain significance. Review status: criteria provided, multiple submitters, no conflicts (2 of 4 stars). 2 submissions from 2 submitters: Uncertain significance (2). Last evaluated 2023-10-16.

Conditions:
Gorlin syndrome. Also called: Nevoid Basal Cell Carcinoma Syndrome; Basal cell nevus syndrome. Identifiers: Orphanet 377, MedGen C0004779, MONDO:0007187.
Hereditary cancer-predisposing syndrome. Also called: Neoplastic Syndromes, Hereditary; Hereditary Cancer Syndrome; Tumor predisposition; Hereditary neoplastic syndrome. Identifiers: Orphanet 140162, MedGen C0027672, MeSH D009386, MONDO:0015356.

Submissions (2):

Labcorp Genetics (formerly Invitae), Labcorp
Classification: Uncertain significance for Gorlin syndrome. Last evaluated: 2023-10-16. Review status: criteria provided, single submitter. Criteria: Invitae Variant Classification Sherloc (09022015). Collection method: clinical testing. Allele origin: germline.
Comment: This sequence change replaces histidine, which is basic and polar, with leucine, which is neutral and non-polar, at codon 375 of the PTCH1 protein (p.His375Leu). This variant is not present in population databases (gnomAD no frequency). This variant has not been reported in the literature in individuals affected with PTCH1-related conditions. ClinVar contains an entry for this variant (Variation ID: 2564362). Advanced modeling of protein sequence and biophysical properties (such as structural, functional, and spatial information, amino acid conservation, physicochemical variation, residue mobility, and thermodynamic stability) performed at Invitae indicates that this missense variant is not expected to disrupt PTCH1 protein function. In summary, the available evidence is currently insufficient to determine the role of this variant in disease. Therefore, it has been classified as a Variant of Uncertain Significance.

Ambry Genetics
Classification: Uncertain significance for Hereditary cancer-predisposing syndrome. Last evaluated: 2023-03-27. Review status: criteria provided, single submitter. Criteria: Ambry Variant Classification Scheme 2023. Collection method: clinical testing. Allele origin: germline.
Comment: The p.H375L variant (also known as c.1124A>T), located in coding exon 8 of the PTCH1 gene, results from an A to T substitution at nucleotide position 1124. The histidine at codon 375 is replaced by leucine, an amino acid with similar properties. This amino acid position is conserved. In addition, this alteration is predicted to be deleterious by in silico analysis. Since supporting evidence is limited at this time, the clinical significance of this alteration remains unclear.